The following is an entry in ClinVar:

NM_001042492.3(NF1):c.5853_5855delinsC (p.Trp1952fs)

Gene: NF1 (neurofibromin 1; plus strand). Cytogenetic location: 17q11.2.
Variant type: Indel.
Coding change: c.5853_5855delinsC on transcript NM_001042492.3 (MANE Select); coding-DNA positions 5853 to 5855, ATG replaced by C.
Protein change: p.Trp1952fs; shifts the reading frame from tryptophan 1952.
Molecular consequence: frameshift variant.
Genome position (GRCh38, 1-based): chr17:31,334,878-31,334,880, ATG replaced by C. VCF-style: chr17-31334878-ATG-C. GRCh37 (hg19) VCF-style: chr17-29661896-ATG-C.
Other names: c.5790_5792delATGinsC (NM_000267.3); c.5790_5792delATGinsC, p.Trp1931Alafs (NM_000267.4); short protein forms W1952fs, W1931fs.
Identifiers: ClinVar variation 1749659 (VCV001749659.2), dbSNP rs2508736384, ClinGen allele CA2580092958.

ClinVar aggregate classification (germline): Pathogenic (1 of 4 stars; one submission).

Conditions:
Cardiovascular phenotype. Identifiers: MedGen CN230736.
Hereditary cancer-predisposing syndrome. Also called: Hereditary Cancer Syndrome; Hereditary neoplastic syndrome; Neoplastic Syndromes, Hereditary; Tumor predisposition. Identifiers: Orphanet 140162, MedGen C0027672, MeSH D009386, MONDO:0015356.

Submission:

Ambry Genetics
Classification: Pathogenic for Cardiovascular phenotype; Hereditary cancer-predisposing syndrome. Last evaluated: 2016-09-22. Review status: criteria provided, single submitter. Criteria: Ambry Variant Classification Scheme 2023. Collection method: clinical testing. Allele origin: germline.
Comment: The c.5790_5792delATGinsC pathogenic mutation, located in coding exon 39 of the NF1 gene, results from the deletion of 3 nucleotides and insertion of one nucleotide causing a translational frameshift with a predicted alternate stop codon. This alteration is expected to result in loss of function by premature protein truncation or nonsense-mediated mRNA decay. As such, this alteration is interpreted as a disease-causing mutation.